The following is an entry in ClinVar:

ClinVar aggregate classification (germline): Pathogenic (1 of 4 stars; one submission).

Conditions:
Epilepsy, childhood absence, susceptibility to, 1. Also called: Epilepsy, childhood absence 1. Identifiers: Orphanet 64280, MedGen C1838604, MONDO:0020759, OMIM 600131.
Epilepsy, childhood absence, susceptibility to, 5. Identifiers: Orphanet 64280, MedGen C2677087, MONDO:0012843, OMIM 612269.

Submission:

Labcorp Genetics (formerly Invitae), Labcorp
Classification: Pathogenic for Epilepsy, childhood absence, susceptibility to, 5; Epilepsy, childhood absence, susceptibility to, 1. Last evaluated: 2024-06-21. Review status: criteria provided, single submitter. Criteria: Invitae Variant Classification Sherloc (09022015). Collection method: clinical testing. Allele origin: germline.
Comment: This sequence change creates a premature translational stop signal (p.Trp266Leufs*5) in the GABRB3 gene. It is expected to result in an absent or disrupted protein product. Loss-of-function variants in GABRB3 are known to be pathogenic (PMID: 26950270, 28053010). This variant is not present in population databases (gnomAD no frequency). This variant has not been reported in the literature in individuals affected with GABRB3-related conditions. For these reasons, this variant has been classified as Pathogenic.

Literature cited by the submitters: PubMed 26950270; PubMed 28053010.

NM_000814.6(GABRB3):c.794dup (p.Trp266fs)

Gene: GABRB3 (gamma-aminobutyric acid type A receptor subunit beta3; minus strand). Cytogenetic location: 15q12.
Variant type: Duplication.
Coding change: c.794dup on transcript NM_000814.6 (MANE Select); coding-DNA position 794, one base duplicated (T; older notation c.794dupT).
Protein change: p.Trp266fs; shifts the reading frame from tryptophan 266.
Molecular consequence: frameshift variant.
Genome position (GRCh38, 1-based): chr15:26,567,622, A duplicated on the plus strand (T on the coding strand, the reverse complement: GABRB3 is on the minus strand); the first of 2 consecutive A bases (chr15:26,567,622-26,567,623); duplicating either gives the same sequence. VCF-style (leftmost placement, unchanged base first): chr15-26567621-G-GA. GRCh37 (hg19) VCF-style: chr15-26812768-G-GA.
Other names: c.539dup, p.Trp181fs (NM_001191320.2, NM_001278631.2); c.581dup, p.Trp195fs (NM_001191321.3); c.794dup, p.Trp266fs (NM_021912.5); short protein forms W181fs, W195fs, W266fs.
Identifiers: ClinVar variation 3756215 (VCV003756215.2).